The following is an entry in ClinVar:

NM_138694.4(PKHD1):c.166T>C (p.Ser56Pro)

Gene: PKHD1 (PKHD1 ciliary IPT domain containing fibrocystin/polyductin; minus strand). Cytogenetic location: 6p12.2.
Variant type: single nucleotide variant.
Coding change: c.166T>C on transcript NM_138694.4 (MANE Select); coding-DNA position 166, T replaced by C.
Protein change: p.Ser56Pro; replaces serine 56 with proline.
Molecular consequence: missense variant.
Genome position (GRCh38, 1-based): chr6:52,082,507, A>G on the plus strand (T>C on the coding strand, the complement: PKHD1 is on the minus strand). VCF-style: chr6-52082507-A-G. GRCh37 (hg19) VCF-style: chr6-51947305-A-G.
Other names: c.166T>C, p.Ser56Pro (NM_170724.3); short protein forms S56P.
Identifiers: ClinVar variation 1805284 (VCV001805284.4), dbSNP rs1213188447, ClinGen allele CA364440635.
Genomic context (GRCh38, chr6:52,082,507, plus strand): 5'-GAACACTCCGCAGTGCGGGCACCACCATGTTCACGTTCACCAGGTGTATCTCCAATTGAG[A>G]GCCATTGTTGGGGTAAAGAACACCCAACTCCAAACCTAACACAAGGGAAAGAAATCTCAG-3'
Protein context (NP_619639.3, residues 46-66): ELGVLYPNNG[Ser56Pro]QLEIHLVNVN

ClinVar aggregate classification (germline): Uncertain significance. Review status: criteria provided, multiple submitters, no conflicts (2 of 4 stars). 2 submissions from 2 submitters: Uncertain significance (2). Last evaluated 2026-01-06.

Conditions:
PKHD1-related disorder. Also called: PKHD1-related condition.
Polycystic kidney disease 4 (PKD4). Also called: Autosomal Recessive Polycystic Kidney Disease – PKHD1; POLYCYSTIC KIDNEY AND HEPATIC DISEASE 1; POLYCYSTIC KIDNEY DISEASE, INFANTILE, TYPE I; PKD3; POLYCYSTIC KIDNEY DISEASE 4 WITH OR WITHOUT POLYCYSTIC LIVER DISEASE. Identifiers: MedGen C4540575, MONDO:0033004, OMIM 263200.

Allele frequency attached by ClinVar (database versions not stated): gnomAD exomes 0.00003; gnomAD 0.00001; TOPMed 0.00002.
gnomAD v4.1: 48 of 1,613,994 alleles (0.003%); highest among the groups gnomAD compares: Non-Finnish European, 0.004%; no homozygotes.

Submissions (2):

PreventionGenetics, part of Exact Sciences
Classification: Uncertain significance for PKHD1-related condition. Last evaluated: 2026-01-06. Review status: criteria provided, single submitter. Criteria: ACMG Guidelines, 2015. Collection method: clinical testing. Allele origin: germline.
Comment: The PKHD1 c.166T>C variant is predicted to result in the amino acid substitution p.Ser56Pro. To our knowledge, this variant has not been reported in the literature or in a large population database (gnomAD), indicating this variant is rare. At this time, the clinical significance of this variant is uncertain due to the absence of conclusive functional and genetic evidence.

Victorian Clinical Genetics Services, Murdoch Childrens Research Institute
Classification: Uncertain significance for Polycystic kidney disease 4. Last evaluated: 2025-03-13. Review status: criteria provided, single submitter. Criteria: ACMG Guidelines, 2015. Collection method: clinical testing. Allele origin: germline. Affected: yes.
Comment: This variant is classified as VUS-3B. Evidence in support of pathogenic classification: Variant is present in gnomAD <0.01 for a recessive condition (v4: 48 heterozygote(s), 0 homozygote(s)). Additional information: Variant is predicted to result in a missense amino acid change from serine to proline; This variant is heterozygous; This gene is associated with autosomal recessive disease; however, there are emerging reports of heterozygous carriers of PKHD1 variants developing liver cysts and nephrocalcinosis (PMID: 21945273, 36691356); Previous evidence of pathogenicity for this variant is inconclusive. No published segregation evidence has been identified for this variant; No published functional evidence has been identified for this variant; No comparable missense variants have previous evidence for pathogenicity; Variant is not located in an established domain, motif, hotspot or informative constraint region; Missense variant with inconclusive in silico prediction and uninformative conservation; Loss of function is a known mechanism of disease in this gene and is associated with polycystic kidney disease 4, with or without hepatic disease (MIM#263200); Variants in this gene are known to have variable expressivity. Significant intrafamilial variability has been reported (PMID: 20301501); Inheritance information for this variant is not currently available in this individual.

Literature cited by the submitters: PubMed 20301501 (cited by Victorian Clinical Genetics Services, Murdoch Childrens Research Institute); PubMed 36691356 (cited by Victorian Clinical Genetics Services, Murdoch Childrens Research Institute); PubMed 21945273 (cited by Victorian Clinical Genetics Services, Murdoch Childrens Research Institute).